The following is an entry in ClinVar:

ClinVar aggregate classification (germline): Benign/Likely benign. Review status: criteria provided, multiple submitters, no conflicts (2 of 4 stars). 8 submissions from 8 submitters: Benign (3); Likely benign (5). Last evaluated 2026-01-13.

Conditions:
Hereditary cancer-predisposing syndrome. Also called: Tumor predisposition; Neoplastic Syndromes, Hereditary; Hereditary Cancer Syndrome; Hereditary neoplastic syndrome. Identifiers: Orphanet 140162, MedGen C0027672, MeSH D009386, MONDO:0015356.
Tuberous sclerosis syndrome (TSC). Also called: Tuberous Sclerosis Complex; Tuberous sclerosis. Identifiers: Orphanet 805, MedGen C0041341, MONDO:0001734.
Tuberous sclerosis 2 (TSC2). Identifiers: Orphanet 805, MedGen C1860707, MONDO:0013199, OMIM 613254.

Allele frequency attached by ClinVar (database versions not stated): gnomAD 0.00001 and 0.00002; gnomAD exomes 0.00003 and 0.00005; TOPMed 0.00003; ExAC 0.00004; ESP Exome Variant Server 0.00008; 1000 Genomes Project 30x 0.00016; 1000 Genomes Project 0.00020.
gnomAD v4.1: 74 of 1,614,188 alleles (0.0046%); highest among the groups gnomAD compares: Non-Finnish European, 0.0054%; no homozygotes.

Submissions (8):

Labcorp Genetics (formerly Invitae), Labcorp
Classification: Benign for Tuberous sclerosis 2. Last evaluated: 2026-01-13. Review status: criteria provided, single submitter. Criteria: Invitae Variant Classification Sherloc (09022015). Collection method: clinical testing. Allele origin: germline.

Myriad Genetics, Inc.
Classification: Benign for Tuberous sclerosis 2. Last evaluated: 2025-05-13. Review status: criteria provided, single submitter. Criteria: Myriad Autosomal Dominant, Autosomal Recessive and X-Linked Classification Criteria (2023). Collection method: clinical testing. Allele origin: unknown.
Comment: This variant is considered benign. This variant is a silent/synonymous amino acid change and it is not expected to impact splicing.

All of Us Research Program, National Institutes of Health
Classification: Likely benign for Tuberous sclerosis syndrome. Last evaluated: 2024-05-14. Review status: criteria provided, single submitter. Criteria: ACMG Guidelines, 2015. Collection method: clinical testing. Allele origin: germline. Inheritance: Autosomal dominant inheritance. Observed: 7 variant alleles, 7 heterozygotes.
Comment: This study involves interpretation of variants in research participants for the purpose of population health screening. Participant phenotype was not available at the time of variant classification. Additional details can be found in publication PMID: 35346344, PMCID: PMC8962531

Color Diagnostics, LLC DBA Color Health
Classification: Likely benign for Tuberous sclerosis syndrome. Last evaluated: 2022-09-20. Review status: criteria provided, single submitter. Criteria: ACMG Guidelines, 2015. Collection method: clinical testing. Allele origin: germline.

Genome-Nilou Lab
Classification: Benign for Tuberous sclerosis 2. Last evaluated: 2021-11-07. Review status: criteria provided, single submitter. Criteria: ACMG Guidelines, 2015. Collection method: clinical testing. Allele origin: germline. Affected: no.

GeneDx
Classification: Likely benign. Last evaluated: 2021-06-16. Review status: criteria provided, single submitter. Criteria: GeneDx Variant Classification Process June 2021. Collection method: clinical testing. Allele origin: germline. Affected: yes.

Sema4
Classification: Likely benign for Hereditary cancer-predisposing syndrome. Last evaluated: 2020-12-07. Review status: criteria provided, single submitter. Criteria: Sema4 Curation Guidelines. Collection method: curation. Allele origin: germline.

Ambry Genetics
Classification: Likely benign for Hereditary cancer-predisposing syndrome. Last evaluated: 2017-06-07. Review status: criteria provided, single submitter. Criteria: Ambry Variant Classification Scheme 2023. Collection method: clinical testing. Allele origin: germline.

NM_000548.5(TSC2):c.1194C>T (p.Asn398=)

Gene: TSC2 (TSC complex subunit 2; plus strand). Cytogenetic location: 16p13.3.
Variant type: single nucleotide variant.
Coding change: c.1194C>T on transcript NM_000548.5 (MANE Select); coding-DNA position 1194, C replaced by T.
Protein change: p.Asn398=; no amino-acid change (asparagine 398 retained).
Molecular consequence: synonymous variant.
Genome position (GRCh38, 1-based): chr16:2,061,945, C>T. VCF-style: chr16-2061945-C-T. GRCh37 (hg19) VCF-style: chr16-2111946-C-T.
Other names: c.1194C>T, p.Asn398= (NM_001077183.3, NM_001114382.3, NM_001363528.2 and 3 more transcripts); c.1083C>T, p.Asn361= (NM_001318827.2); c.1047C>T, p.Asn349= (NM_001318829.2); c.594C>T, p.Asn198= (NM_001318831.2); c.1227C>T, p.Asn409= (NM_001318832.2).
Identifiers: ClinVar variation 413661 (VCV000413661.25), dbSNP rs369172347, ClinGen allele CA028727.
Genomic context (GRCh38, chr16:2,061,945, plus strand): 5'-GGAGCTCAGGACCATCGTCCATGACCTGTTGACCACGGTGGAGGAGCTGTGTGACCAGAA[C>T]GAGTTCCACGGGTCTCAGGAGAGATACTTTGAACTGGTGGAGAGATGTGCGGACCAGAGG-3'
Protein context (NP_000539.2, residues 388-408): LTTVEELCDQ[Asn398=]EFHGSQERYF